The following is an entry in ClinVar:

ClinVar aggregate classification (germline): Uncertain significance (1 of 4 stars; one submission).

Conditions:
Tuberous sclerosis 1 (TSC1). Identifiers: Orphanet 805, MedGen C1854465, MONDO:0008612, OMIM 191100.

Submission:

Labcorp Genetics (formerly Invitae), Labcorp
Classification: Uncertain significance for Tuberous sclerosis 1. Last evaluated: 2022-07-22. Review status: criteria provided, single submitter. Criteria: Invitae Variant Classification Sherloc (09022015). Collection method: clinical testing. Allele origin: germline.
Comment: In summary, the available evidence is currently insufficient to determine the role of this variant in disease. Therefore, it has been classified as a Variant of Uncertain Significance. Algorithms developed to predict the effect of sequence changes on RNA splicing suggest that this variant may create or strengthen a splice site. This variant has not been reported in the literature in individuals affected with TSC1-related conditions. This variant is not present in population databases (gnomAD no frequency). This sequence change affects codon 963 of the TSC1 mRNA. It is a 'silent' change, meaning that it does not change the encoded amino acid sequence of the TSC1 protein.

NM_000368.5(TSC1):c.2889A>G (p.Leu963=)

Gene: TSC1 (TSC complex subunit 1; minus strand). Cytogenetic location: 9q34.13.
Variant type: single nucleotide variant.
Coding change: c.2889A>G on transcript NM_000368.5 (MANE Select); coding-DNA position 2889, A replaced by G.
Protein change: p.Leu963=; no amino-acid change (leucine 963 retained).
Molecular consequence: synonymous variant. On other transcripts: non-coding transcript variant (5).
Genome position (GRCh38, 1-based): chr9:132,897,270, T>C on the plus strand (A>G on the coding strand, the complement: TSC1 is on the minus strand). VCF-style: chr9-132897270-T-C. GRCh37 (hg19) VCF-style: chr9-135772657-T-C.
Other names: c.2886A>G, p.Leu962= (NM_001162426.2, NM_001406597.1, NM_001406598.1 and 2 more transcripts); c.2736A>G, p.Leu912= (NM_001162427.2, NM_001406610.1); c.2526A>G, p.Leu842= (NM_001362177.2, NM_001406614.1, NM_001406615.1 and 4 more transcripts); c.2889A>G, p.Leu963= (NM_001406592.1, NM_001406593.1, NM_001406594.1 and 2 more transcripts); c.2874A>G, p.Leu958= (NM_001406601.1, NM_001406602.1); c.2871A>G, p.Leu957= (NM_001406603.1, NM_001406604.1); c.2847A>G, p.Leu949= (NM_001406605.1, NM_001406606.1, NM_001406607.1); c.2844A>G, p.Leu948= (NM_001406608.1, NM_001406609.1); and 8 more.
Identifiers: ClinVar variation 2003134 (VCV002003134.4), dbSNP rs2538478968, ClinGen allele CA467812664.